The following is an entry in ClinVar:

NM_006302.3(MOGS):c.14A>G (p.Glu5Gly)

Gene: MOGS (mannosyl-oligosaccharide glucosidase; minus strand). Cytogenetic location: 2p13.1.
Variant type: single nucleotide variant.
Coding change: c.14A>G on transcript NM_006302.3 (MANE Select); coding-DNA position 14, A replaced by G.
Protein change: p.Glu5Gly; replaces glutamic acid 5 with glycine.
Molecular consequence: missense variant. On other transcripts: intron variant (1).
Genome position (GRCh38, 1-based): chr2:74,465,234, T>C on the plus strand (A>G on the coding strand, the complement: MOGS is on the minus strand). VCF-style: chr2-74465234-T-C. GRCh37 (hg19) VCF-style: chr2-74692361-T-C.
Other names: c.-59+80A>G (NM_001146158.2); c.14A>G (NM_006302.2); short protein forms E5G.
Identifiers: ClinVar variation 2414744 (VCV002414744.7), dbSNP rs1672037208, ClinGen allele CA347383897.

ClinVar aggregate classification (germline): Uncertain significance. Review status: criteria provided, multiple submitters, no conflicts (2 of 4 stars). 2 submissions from 2 submitters: Uncertain significance (2). Last evaluated 2024-09-25.

Conditions:
Inborn genetic diseases. Identifiers: MedGen C0950123, MeSH D030342.
MOGS-congenital disorder of glycosylation. Also called: MOGS-CDG; GLUCOSIDASE I DEFICIENCY; CDG IIb; CDG 2B. Identifiers: Orphanet 79330, MedGen C1853736, MONDO:0011629, OMIM 606056.

Allele frequency attached by ClinVar (database versions not stated): gnomAD exomes below 0.00001; TOPMed below 0.00001; gnomAD 0.00001.
gnomAD v4.1: 4 of 1,444,266 alleles (0.00028%); highest among the groups gnomAD compares: Admixed American, 0.003%; no homozygotes.

Submissions (2):

Ambry Genetics
Classification: Uncertain significance for Inborn genetic diseases. Last evaluated: 2024-09-25. Review status: criteria provided, single submitter. Criteria: Ambry Variant Classification Scheme 2023. Collection method: clinical testing. Allele origin: germline.

Labcorp Genetics (formerly Invitae), Labcorp
Classification: Uncertain significance for MOGS-congenital disorder of glycosylation. Last evaluated: 2022-06-23. Review status: criteria provided, single submitter. Criteria: Invitae Variant Classification Sherloc (09022015). Collection method: clinical testing. Allele origin: germline.
Comment: This variant has not been reported in the literature in individuals affected with MOGS-related conditions. This sequence change replaces glutamic acid, which is acidic and polar, with glycine, which is neutral and non-polar, at codon 5 of the MOGS protein (p.Glu5Gly). This variant is not present in population databases (gnomAD no frequency). Algorithms developed to predict the effect of missense changes on protein structure and function are either unavailable or do not agree on the potential impact of this missense change (SIFT: "Tolerated"; PolyPhen-2: "Possibly Damaging"; Align-GVGD: "Class C0"). In summary, the available evidence is currently insufficient to determine the role of this variant in disease. Therefore, it has been classified as a Variant of Uncertain Significance.